The following is an entry in ClinVar:

ClinVar aggregate classification (germline): Uncertain significance (1 of 4 stars; one submission).

Conditions:
Hypertrophic cardiomyopathy. Also called: HYPERTROPHIC MYOCARDIOPATHY. Identifiers: Orphanet 217569, MedGen C0007194, MeSH D002312, MONDO:0005045, HP:0001639.

Submission:

All of Us Research Program, National Institutes of Health
Classification: Uncertain significance for Hypertrophic cardiomyopathy. Last evaluated: 2023-04-27. Review status: criteria provided, single submitter. Criteria: ACMG Guidelines, 2015. Collection method: clinical testing. Allele origin: germline. Inheritance: Autosomal dominant inheritance. Observed: 1 variant allele, 1 heterozygote.
Comment: This study involves interpretation of variants in research participants for the purpose of population health screening. Participant phenotype was not available at the time of variant classification. Additional details can be found in publication PMID: 35346344, PMCID: PMC8962531

NM_000256.3(MYBPC3):c.931T>G (p.Ser311Ala)

Gene: MYBPC3 (myosin binding protein C3; minus strand). Cytogenetic location: 11p11.2.
Variant type: single nucleotide variant.
Coding change: c.931T>G on transcript NM_000256.3 (MANE Select); coding-DNA position 931, T replaced by G.
Protein change: p.Ser311Ala; replaces serine 311 with alanine.
Molecular consequence: missense variant.
Genome position (GRCh38, 1-based): chr11:47,346,366, A>C on the plus strand (T>G on the coding strand, the complement: MYBPC3 is on the minus strand). VCF-style: chr11-47346366-A-C. GRCh37 (hg19) VCF-style: chr11-47367917-A-C.
Other names: short protein forms S311A.
Identifiers: ClinVar variation 3070035 (VCV003070035.1), dbSNP rs397516084, ClinGen allele CA380332255.
Genomic context (GRCh38, chr11:47,346,366, plus strand): 5'-ATGGGGGTGCCTGCCGTAGGATCTCCCACACGTCCTCCTCTGCTGGTGCCTCCAGCTTCG[A>C]GTCCCTGTGTCCCGCAGTCTAGGCTGTGGCCGGGGGCAAGACTGCAGCCCCCTGGGCGGG-3'
Protein context (NP_000247.2, residues 301-321): KRDSFRTPRD[Ser311Ala]KLEAPAEEDV